The following is an entry in ClinVar:

ClinVar aggregate classification (germline): Uncertain significance (1 of 4 stars; one submission).

Conditions:
Chédiak-Higashi syndrome (CHS). Also called: Chediak-Higashi Syndrome. Identifiers: Orphanet 167, MedGen C0007965, MONDO:0008963, OMIM 214500.

gnomAD v4.1: 2 of 1,612,972 alleles (0.00012%); highest among the groups gnomAD compares: Admixed American, 0.0017%; no homozygotes.

Submission:

Labcorp Genetics (formerly Invitae), Labcorp
Classification: Uncertain significance for Chédiak-Higashi syndrome. Last evaluated: 2022-11-02. Review status: criteria provided, single submitter. Criteria: Invitae Variant Classification Sherloc (09022015). Collection method: clinical testing. Allele origin: germline.
Comment: This sequence change replaces aspartic acid, which is acidic and polar, with valine, which is neutral and non-polar, at codon 2408 of the LYST protein (p.Asp2408Val). This variant is not present in population databases (gnomAD no frequency). This variant has not been reported in the literature in individuals affected with LYST-related conditions. Advanced modeling of protein sequence and biophysical properties (such as structural, functional, and spatial information, amino acid conservation, physicochemical variation, residue mobility, and thermodynamic stability) has been performed at Invitae for this missense variant, however the output from this modeling did not meet the statistical confidence thresholds required to predict the impact of this variant on LYST protein function. In summary, the available evidence is currently insufficient to determine the role of this variant in disease. Therefore, it has been classified as a Variant of Uncertain Significance.

NM_000081.4(LYST):c.7223A>T (p.Asp2408Val)

Gene: LYST (lysosomal trafficking regulator; minus strand). Cytogenetic location: 1q42.3.
Variant type: single nucleotide variant.
Coding change: c.7223A>T on transcript NM_000081.4 (MANE Select); coding-DNA position 7223, A replaced by T.
Protein change: p.Asp2408Val; replaces aspartic acid 2408 with valine.
Molecular consequence: missense variant.
Genome position (GRCh38, 1-based): chr1:235,755,484, T>A on the plus strand (A>T on the coding strand, the complement: LYST is on the minus strand). VCF-style: chr1-235755484-T-A. GRCh37 (hg19) VCF-style: chr1-235918784-T-A.
Other names: c.7223A>T, p.Asp2408Val (NM_001301365.1); short protein forms D2408V.
Identifiers: ClinVar variation 2811504 (VCV002811504.3), dbSNP rs2527759985, ClinGen allele CA344934003.
Genomic context (GRCh38, chr1:235,755,484, plus strand): 5'-AAAAGAAAAAAGACAAAAGATTCCCAATTATAGTGGAGGGAAGAACACACTTACTCTTCA[T>A]CAAGGCCAATATGTCGACCAAAGAACATTTCGATGAAGCATTCTAACAATTCTTGAGTTC-3'
Protein context (NP_000072.2, residues 2398-2418): EMFFGRHIGL[Asp2408Val]EEFDLEDVRN